The following is an entry in ClinVar:

NM_000170.3(GLDC):c.2955G>A (p.Thr985=)

Gene: GLDC (glycine decarboxylase; minus strand). Cytogenetic location: 9p24.1.
Variant type: single nucleotide variant.
Coding change: c.2955G>A on transcript NM_000170.3 (MANE Select); coding-DNA position 2955, G replaced by A.
Protein change: p.Thr985=; no amino-acid change (threonine 985 retained).
Molecular consequence: synonymous variant.
Genome position (GRCh38, 1-based): chr9:6,533,125, C>T on the plus strand (G>A on the coding strand, the complement: GLDC is on the minus strand). VCF-style: chr9-6533125-C-T. GRCh37 (hg19) VCF-style: chr9-6533125-C-T.
Identifiers: ClinVar variation 462882 (VCV000462882.45), dbSNP rs142004524, ClinGen allele CA4979990.

ClinVar aggregate classification (germline): Conflicting classifications of pathogenicity. Review status: criteria provided, conflicting classifications (1 of 4 stars). 6 submissions from 6 submitters: Uncertain significance (1); Benign (1); Likely benign (3). 1 of the submissions does not count toward it. Last evaluated 2026-01-31.

Conditions:
GLDC-related disorder. Also called: GLDC-related condition.
Glycine encephalopathy. Also called: Nonketotic hyperglycinemia; Non-ketotic hyperglycinemia. Identifiers: Orphanet 407, MedGen C0751748, MONDO:0011612, HP:0008288.

Allele frequency attached by ClinVar (database versions not stated): ExAC 0.00026; 1000 Genomes Project 30x 0.00047; 1000 Genomes Project 0.00060; ESP Exome Variant Server 0.00100; gnomAD 0.00120 and 0.00131; TOPMed 0.00135.
gnomAD v4.1: 375 of 1,612,894 alleles (0.023%); highest among the groups gnomAD compares: African/African-American, 0.42%; 1 homozygote.

Submissions (6):

Labcorp Genetics (formerly Invitae), Labcorp
Classification: Benign for Glycine encephalopathy. Last evaluated: 2026-01-31. Review status: criteria provided, single submitter. Criteria: Invitae Variant Classification Sherloc (09022015). Collection method: clinical testing. Allele origin: germline.

CeGaT Center for Human Genetics Tuebingen
Classification: Likely benign. Last evaluated: 2025-06-01. Review status: criteria provided, single submitter. Criteria: CeGaT Center For Human Genetics Tuebingen Variant Classification Criteria Version 2. Collection method: clinical testing. Allele origin: germline. Affected: yes. Observed: 2 variant alleles.
Comment: GLDC: BP4, BP7

Blueprint Genetics
Classification: Likely benign. Last evaluated: 2024-11-27. Review status: criteria provided, single submitter. Criteria: ACMG Guidelines, 2015. Collection method: clinical testing. Allele origin: germline.

GeneDx
Classification: Likely benign. Last evaluated: 2021-01-06. Review status: criteria provided, single submitter. Criteria: GeneDx Variant Classification Process June 2021. Collection method: clinical testing. Allele origin: germline. Affected: yes.

Illumina Laboratory Services, Illumina
Classification: Uncertain significance for Glycine encephalopathy 1. Last evaluated: 2018-01-12. Review status: criteria provided, single submitter. Criteria: ICSL Variant Classification Criteria 13 December 2019. Collection method: clinical testing. Allele origin: germline.

PreventionGenetics, part of Exact Sciences
Classification: Likely benign for GLDC-related condition. Last evaluated: 2019-04-10. Review status: no assertion criteria provided. Collection method: clinical testing. Allele origin: germline. Not counted in ClinVar's aggregate classification.
Comment: This variant is classified as likely benign based on ACMG/AMP sequence variant interpretation guidelines (Richards et al. 2015 PMID: 25741868, with internal and published modifications).